The following is an entry in ClinVar:

NM_025074.7(FRAS1):c.8602C>T (p.Gln2868Ter)

Genes: FRAS1 (Fraser extracellular matrix complex subunit 1; plus strand), LOC126807088 (CDK7 strongly-dependent group 2 enhancer GRCh37_chr4:79402250-79403449; plus strand). Cytogenetic location: 4q21.21.
Variant type: single nucleotide variant.
Coding change: c.8602C>T on transcript NM_025074.7 (MANE Select); coding-DNA position 8602, C replaced by T.
Protein change: p.Gln2868Ter; replaces glutamine 2868 with a stop codon.
Molecular consequence: nonsense.
Genome position (GRCh38, 1-based): chr4:78,481,962, C>T. VCF-style: chr4-78481962-C-T. GRCh37 (hg19) VCF-style: chr4-79403116-C-T.
Other names: Q2863*; c.8602C>T (NM_025074.6); short protein forms Q2868*.
Identifiers: ClinVar variation 2809 (VCV000002809.5), dbSNP rs120074156, ClinGen allele CA115769.

ClinVar aggregate classification (germline): Pathogenic. Review status: criteria provided, multiple submitters, no conflicts (2 of 4 stars). 3 submissions from 3 submitters: Pathogenic (2). 1 of the submissions does not count toward it. Last evaluated 2024-10-11.

Conditions:
FRAS1-related disorder. Also called: FRAS1-related condition.
Fraser syndrome 1 (FRASRS1). Also called: CRYPTOPHTHALMOS WITH OTHER MALFORMATIONS. Identifiers: Orphanet 2052, MedGen C4551480, MONDO:0054737, OMIM 219000.

Allele frequency attached by ClinVar (database versions not stated): gnomAD exomes below 0.00001; TOPMed below 0.00001.
gnomAD v4.1: 1 of 1,613,608 alleles (0.000062%); highest among the groups gnomAD compares: Non-Finnish European, 0.000085%; no homozygotes.

Submissions (3):

PreventionGenetics, part of Exact Sciences
Classification: Pathogenic for FRAS1-related condition. Last evaluated: 2024-10-11. Review status: criteria provided, single submitter. Criteria: ACMG Guidelines, 2015. Collection method: clinical testing. Allele origin: germline.
Comment: The FRAS1 c.8602C>T variant is predicted to result in premature protein termination (p.Gln2868*). This variant was reported in multiple individuals with Fraser syndrome (van Haelst et al. 2008. PubMed ID: 18671281; reported as Q2863X in McGregor et al. 2003. PubMed ID: 12766769). This variant has not been reported in a large population database (gnomAD), indicating this variant is rare. Nonsense variants in FRAS1 are expected to be pathogenic. This variant is interpreted as pathogenic.

Labcorp Genetics (formerly Invitae), Labcorp
Classification: Pathogenic. Last evaluated: 2023-10-22. Review status: criteria provided, single submitter. Criteria: Invitae Variant Classification Sherloc (09022015). Collection method: clinical testing. Allele origin: germline.
Comment: This sequence change creates a premature translational stop signal (p.Gln2868*) in the FRAS1 gene. It is expected to result in an absent or disrupted protein product. Loss-of-function variants in FRAS1 are known to be pathogenic (PMID: 12766769, 18671281). This variant is not present in population databases (gnomAD no frequency). This premature translational stop signal has been observed in individual(s) with Fraser syndrome (PMID: 12766769). This variant is also known as 8620C>T, Q2863X. ClinVar contains an entry for this variant (Variation ID: 2809). Algorithms developed to predict the effect of sequence changes on RNA splicing suggest that this variant may disrupt the consensus splice site. For these reasons, this variant has been classified as Pathogenic.

OMIM
Classification: Pathogenic for FRASER SYNDROME 1. Last evaluated: 2003-06-01. Review status: no assertion criteria provided. Collection method: literature only. Allele origin: germline. Not counted in ClinVar's aggregate classification.

Literature cited by the submitters: PubMed 12766769 (cited by Labcorp Genetics (formerly Invitae), Labcorp and OMIM); PubMed 18671281 (cited by Labcorp Genetics (formerly Invitae), Labcorp).